The following is an entry in ClinVar:

NM_001127208.3(TET2):c.5137C>T (p.Pro1713Ser)

Genes: TET2 (tet methylcytosine dioxygenase 2; plus strand), TET2-AS1 (TET2 antisense RNA 1; minus strand). Cytogenetic location: 4q24.
Variant type: single nucleotide variant.
Coding change: c.5137C>T on transcript NM_001127208.3 (MANE Select); coding-DNA position 5137, C replaced by T.
Protein change: p.Pro1713Ser; replaces proline 1713 with serine.
Molecular consequence: missense variant.
Genome position (GRCh38, 1-based): chr4:105,275,647, C>T. VCF-style: chr4-105275647-C-T. GRCh37 (hg19) VCF-style: chr4-106196804-C-T.
Other names: p.Pro1713Ser; short protein forms P1713S.
Identifiers: ClinVar variation 3379555 (VCV003379555.2).
Genomic context (GRCh38, chr4:105,275,647, plus strand): 5'-TACTTAGGTTATGGAAACCAAAATATGCAGGGAGATGGTTTCAGCAGTTGTACCATTAGA[C>T]CAAATGTACATCATGTAGGGAAATTGCCTCCTTATCCCACTCATGAGATGGATGGCCACT-3'
Protein context (NP_001120680.1, residues 1703-1723): GDGFSSCTIR[Pro1713Ser]NVHHVGKLPP

ClinVar aggregate classification (germline): Uncertain significance. Review status: criteria provided, multiple submitters, no conflicts (2 of 4 stars). 2 submissions from 2 submitters: Uncertain significance (2). Last evaluated 2025-10-26.

gnomAD v4.1: 22 of 1,551,926 alleles (0.0014%); highest among the groups gnomAD compares: African/African-American, 0.016%; no homozygotes.

Submissions (2):

Labcorp Genetics (formerly Invitae), Labcorp
Classification: Uncertain significance. Last evaluated: 2025-10-26. Review status: criteria provided, single submitter. Criteria: Invitae Variant Classification Sherloc (09022015). Collection method: clinical testing. Allele origin: germline.
Comment: This sequence change replaces proline, which is neutral and non-polar, with serine, which is neutral and polar, at codon 1713 of the TET2 protein (p.Pro1713Ser). This variant is present in population databases (rs550187530, gnomAD 0.006%). This variant has not been reported in the literature in individuals affected with TET2-related conditions. ClinVar contains an entry for this variant (Variation ID: 3379555). An algorithm developed to predict the effect of missense changes on protein structure and function (PolyPhen-2) suggests that this variant is likely to be tolerated. In summary, the available evidence is currently insufficient to determine the role of this variant in disease. Therefore, it has been classified as a Variant of Uncertain Significance.

Mayo Clinic Laboratories, Mayo Clinic
Classification: Uncertain significance. Last evaluated: 2024-05-22. Review status: criteria provided, single submitter. Criteria: ACMG Guidelines, 2015. Collection method: clinical testing. Allele origin: germline. Observed: 3 variant alleles.
Comment: BP4